The following is an entry in ClinVar:

NM_000093.5(COL5A1):c.4262A>T (p.Lys1421Met)

Gene: COL5A1 (collagen type V alpha 1 chain; plus strand). Cytogenetic location: 9q34.3.
Variant type: single nucleotide variant.
Coding change: c.4262A>T on transcript NM_000093.5 (MANE Select); coding-DNA position 4262, A replaced by T.
Protein change: p.Lys1421Met; replaces lysine 1421 with methionine.
Molecular consequence: missense variant.
Genome position (GRCh38, 1-based): chr9:134,818,687, A>T. VCF-style: chr9-134818687-A-T. GRCh37 (hg19) VCF-style: chr9-137710533-A-T.
Other names: c.4262A>T, p.Lys1421Met (NM_001278074.1); short protein forms K1421M.
Identifiers: ClinVar variation 1022471 (VCV001022471.10), dbSNP rs1838864887, ClinGen allele CA375457189.
Genomic context (GRCh38, chr9:134,818,687, plus strand): 5'-ACCTCATTCTGCCCTCCGCCGTCCTGCAGGGAGAAGCCGGCTTGGAAGGCCCTCCTGGGA[A>T]GACTGGCCCCATCGGCCCCCAGGGGGCCCCTGGGAAGCCCGGACCGGATGGCCTTCGAGG-3'
Protein context (NP_000084.3, residues 1411-1431): GEAGLEGPPG[Lys1421Met]TGPIGPQGAP

ClinVar aggregate classification (germline): Uncertain significance (1 of 4 stars; one submission).

Conditions:
Ehlers-Danlos syndrome, classic type, 1 (EDSCL1). Also called: EHLERS-DANLOS SYNDROME, GRAVIS TYPE; EHLERS-DANLOS SYNDROME, SEVERE CLASSIC TYPE; EDS I; Ehlers-Danlos Syndrome, Classic Type, COL5A1-Related; Ehlers-Danlos syndrome, type 1. Identifiers: MedGen C0268335, MONDO:0019567, OMIM 130000.

Submission:

Labcorp Genetics (formerly Invitae), Labcorp
Classification: Uncertain significance for Ehlers-Danlos syndrome, classic type, 1. Last evaluated: 2020-05-15. Review status: criteria provided, single submitter. Criteria: Invitae Variant Classification Sherloc (09022015). Collection method: clinical testing. Allele origin: germline.
Comment: In summary, the available evidence is currently insufficient to determine the role of this variant in disease. Therefore, it has been classified as a Variant of Uncertain Significance. Algorithms developed to predict the effect of missense changes on protein structure and function are either unavailable or do not agree on the potential impact of this missense change (SIFT: "Deleterious"; PolyPhen-2: "Not Available"; Align-GVGD: "Class C0"). This variant has not been reported in the literature in individuals with COL5A1-related conditions. This variant is not present in population databases (ExAC no frequency). This sequence change replaces lysine with methionine at codon 1421 of the COL5A1 protein (p.Lys1421Met). The lysine residue is highly conserved and there is a moderate physicochemical difference between lysine and methionine.